The following is an entry in ClinVar:

NM_001009944.3(PKD1):c.2585C>G (p.Pro862Arg)

Gene: PKD1 (polycystin 1, transient receptor potential channel interacting; minus strand). Cytogenetic location: 16p13.3.
Variant type: single nucleotide variant.
Coding change: c.2585C>G on transcript NM_001009944.3 (MANE Select); coding-DNA position 2585, C replaced by G.
Protein change: p.Pro862Arg; replaces proline 862 with arginine.
Molecular consequence: missense variant.
Genome position (GRCh38, 1-based): chr16:2,114,438, G>C on the plus strand (C>G on the coding strand, the complement: PKD1 is on the minus strand). VCF-style: chr16-2114438-G-C. GRCh37 (hg19) VCF-style: chr16-2164439-G-C.
Other names: c.2585C>G, p.Pro862Arg (NM_000296.4); short protein forms P862R.
Identifiers: ClinVar variation 3213456 (VCV003213456.3), dbSNP rs761489072, ClinGen allele CA7833161.

ClinVar aggregate classification (germline): Conflicting classifications of pathogenicity. Review status: criteria provided, conflicting classifications (1 of 4 stars). 3 submissions from 3 submitters: Uncertain significance (2); Likely benign (1). Last evaluated 2025-01-09.

Conditions:
PKD1-related disorder. Also called: PKD1-related condition.
Inborn genetic diseases. Identifiers: MedGen C0950123, MeSH D030342.

Allele frequency attached by ClinVar (database versions not stated): gnomAD 0.00004; TOPMed 0.00005; ExAC 0.00011.
gnomAD v4.1: 52 of 1,600,090 alleles (0.0032%); highest among the groups gnomAD compares: Non-Finnish European, 0.0043%; no homozygotes.

Submissions (3):

PreventionGenetics, part of Exact Sciences
Classification: Uncertain significance for PKD1-related condition. Last evaluated: 2025-01-09. Review status: criteria provided, single submitter. Criteria: ACMG Guidelines, 2015. Collection method: clinical testing. Allele origin: germline.
Comment: The PKD1 c.2585C>G variant is predicted to result in the amino acid substitution p.Pro862Arg. To our knowledge, this variant has not been reported in the peer-reviewed literature. This variant is reported in 0.012% of alleles in individuals of European (Non-Finnish) descent in gnomAD. Although we suspect that this variant may be benign, at this time, the clinical significance of this variant is uncertain due to the absence of conclusive functional and genetic evidence.

Blueprint Genetics
Classification: Likely benign. Last evaluated: 2024-02-15. Review status: criteria provided, single submitter. Criteria: ACMG Guidelines, 2015. Collection method: clinical testing. Allele origin: germline.

Ambry Genetics
Classification: Uncertain significance for Inborn genetic diseases. Last evaluated: 2023-09-20. Review status: criteria provided, single submitter. Criteria: Ambry Variant Classification Scheme 2023. Collection method: clinical testing. Allele origin: germline.